The following is an entry in ClinVar:

NM_001040142.2(SCN2A):c.1536A>G (p.Glu512=)

Gene: SCN2A (sodium voltage-gated channel alpha subunit 2; plus strand). Cytogenetic location: 2q24.3.
Variant type: single nucleotide variant.
Coding change: c.1536A>G on transcript NM_001040142.2 (MANE Select); coding-DNA position 1536, A replaced by G.
Protein change: p.Glu512=; no amino-acid change (glutamic acid 512 retained).
Molecular consequence: synonymous variant.
Genome position (GRCh38, 1-based): chr2:165,315,623, A>G. VCF-style: chr2-165315623-A-G. GRCh37 (hg19) VCF-style: chr2-166172133-A-G.
Other names: p.E512E:GAA>GAG; c.1536A>G, p.Glu512= (NM_001040143.2, NM_001371246.1, NM_001371247.1 and 1 more transcripts).
Identifiers: ClinVar variation 139028 (VCV000139028.29), dbSNP rs201680546, ClinGen allele CA293285.

ClinVar aggregate classification (germline): Benign/Likely benign. Review status: criteria provided, multiple submitters, no conflicts (2 of 4 stars). 3 submissions from 3 submitters: Benign (1); Likely benign (2). Last evaluated 2026-03-01.

Conditions:
Seizures, benign familial infantile, 3 (BFIS3). Also called: CONVULSIONS, BENIGN FAMILIAL INFANTILE, 3; Familial neonatal seizures. Identifiers: Orphanet 140927, Orphanet 306, MedGen C1843140, MONDO:0011904, OMIM 607745.
Developmental and epileptic encephalopathy, 11 (DEE11). Also called: Early infantile epileptic encephalopathy 11. Identifiers: Orphanet 1934, MedGen C3150987, MONDO:0013388, OMIM 613721.

Allele frequency attached by ClinVar (database versions not stated): ExAC 0.00002; TOPMed 0.00003; gnomAD 0.00004 and 0.00005; gnomAD exomes 0.00004; 1000 Genomes Project 30x 0.00016; 1000 Genomes Project 0.00020.
gnomAD v4.1: 39 of 1,614,076 alleles (0.0024%); highest among the groups gnomAD compares: Admixed American, 0.03%; no homozygotes.

Submissions (3):

CeGaT Center for Human Genetics Tuebingen
Classification: Likely benign. Last evaluated: 2026-03-01. Review status: criteria provided, single submitter. Criteria: CeGaT Center For Human Genetics Tuebingen Variant Classification Criteria Version 2. Collection method: clinical testing. Allele origin: germline. Affected: yes. Observed: 2 variant alleles.
Comment: SCN2A: BP4, BP7

Labcorp Genetics (formerly Invitae), Labcorp
Classification: Likely benign for Seizures, benign familial infantile, 3; Developmental and epileptic encephalopathy, 11. Last evaluated: 2025-06-27. Review status: criteria provided, single submitter. Criteria: Invitae Variant Classification Sherloc (09022015). Collection method: clinical testing. Allele origin: germline.

GeneDx
Classification: Benign. Last evaluated: 2013-01-29. Review status: criteria provided, single submitter. Criteria: GeneDx Variant Classification (06012015). Collection method: clinical testing. Allele origin: germline. Affected: yes.
Comment: This variant is considered likely benign or benign based on one or more of the following criteria: it is a conservative change, it occurs at a poorly conserved position in the protein, it is predicted to be benign by multiple in silico algorithms, and/or has population frequency not consistent with disease.